The following is an entry in ClinVar:

ClinVar aggregate classification (germline): Uncertain significance. Review status: criteria provided, multiple submitters, no conflicts (2 of 4 stars). 2 submissions from 2 submitters: Uncertain significance (2). Last evaluated 2025-12-11.

Conditions:
Inborn genetic diseases. Identifiers: MedGen C0950123, MeSH D030342.

Allele frequency attached by ClinVar (database versions not stated): gnomAD exomes 0.00001; gnomAD 0.00002; ExAC 0.00004; TOPMed 0.00001.
gnomAD v4.1: 35 of 1,567,716 alleles (0.0022%); highest among the groups gnomAD compares: Non-Finnish European, 0.0024%; no homozygotes.

Submissions (2):

Ambry Genetics
Classification: Uncertain significance for Inborn genetic diseases. Last evaluated: 2025-12-11. Review status: criteria provided, single submitter. Criteria: Ambry Variant Classification Scheme 2023. Collection method: clinical testing. Allele origin: germline.

Labcorp Genetics (formerly Invitae), Labcorp
Classification: Uncertain significance. Last evaluated: 2023-12-11. Review status: criteria provided, single submitter. Criteria: Invitae Variant Classification Sherloc (09022015). Collection method: clinical testing. Allele origin: germline.
Comment: This sequence change replaces proline, which is neutral and non-polar, with serine, which is neutral and polar, at codon 891 of the COL18A1 protein (p.Pro891Ser). The frequency data for this variant in the population databases is considered unreliable, as metrics indicate poor data quality at this position in the gnomAD database. This variant has not been reported in the literature in individuals affected with COL18A1-related conditions. ClinVar contains an entry for this variant (Variation ID: 1413681). Experimental studies and prediction algorithms are not available or were not evaluated, and the functional significance of this variant is currently unknown. In summary, the available evidence is currently insufficient to determine the role of this variant in disease. Therefore, it has been classified as a Variant of Uncertain Significance.

NM_001379500.1(COL18A1):c.2671C>T (p.Pro891Ser)

Gene: COL18A1 (collagen type XVIII alpha 1 chain; plus strand). Cytogenetic location: 21q22.3.
Variant type: single nucleotide variant.
Coding change: c.2671C>T on transcript NM_001379500.1 (MANE Select); coding-DNA position 2671, C replaced by T.
Protein change: p.Pro891Ser; replaces proline 891 with serine.
Molecular consequence: missense variant.
Genome position (GRCh38, 1-based): chr21:45,497,649, C>T. VCF-style: chr21-45497649-C-T. GRCh37 (hg19) VCF-style: chr21-46917563-C-T.
Other names: NM_130445.2:c.2671C>T; c.3211C>T, p.Pro1071Ser (NM_030582.4); c.3916C>T, p.Pro1306Ser (NM_130444.3); short protein forms P1071S, P891S, P1306S.
Identifiers: ClinVar variation 1413681 (VCV001413681.6), dbSNP rs777661365, ClinGen allele CA10067264.
Genomic context (GRCh38, chr21:45,497,649, plus strand): 5'-CTTCCTCCAGGGAATCAGGGCCCTCCAGGACCCAAGGGCGCCAAAGGAGAAGTGGGCCCC[C>T]CCGGACCACCAGGTGAGCAACTCTGGACATCCCAGGCAGGAGAGCCATGGCGTGGCCAGC-3'
Protein context (NP_001366429.1, residues 881-901): PKGAKGEVGP[Pro891Ser]GPPGQFPFDF